The following is an entry in ClinVar:

ClinVar aggregate classification (germline): Uncertain significance (1 of 4 stars; one submission).

Submission:

Labcorp Genetics (formerly Invitae), Labcorp
Classification: Uncertain significance. Last evaluated: 2022-08-16. Review status: criteria provided, single submitter. Criteria: Invitae Variant Classification Sherloc (09022015). Collection method: clinical testing. Allele origin: germline.
Comment: This sequence change affects the initiator methionine of the MOCS3 mRNA. The next in-frame methionine is located at codon 119. This variant is not present in population databases (gnomAD no frequency). This variant has not been reported in the literature in individuals affected with MOCS3-related conditions. ClinVar contains an entry for this variant (Variation ID: 1520498). Experimental studies and prediction algorithms are not available or were not evaluated, and the functional significance of this variant is currently unknown. In summary, the available evidence is currently insufficient to determine the role of this variant in disease. Therefore, it has been classified as a Variant of Uncertain Significance.

NM_014484.5(MOCS3):c.2T>C (p.Met1Thr)

Gene: MOCS3 (molybdenum cofactor synthesis 3; plus strand). Cytogenetic location: 20q13.13.
Variant type: single nucleotide variant.
Coding change: c.2T>C on transcript NM_014484.5 (MANE Select); coding-DNA position 2, T replaced by C.
Protein change: p.Met1Thr; changes the start codon (methionine 1).
Molecular consequence: missense variant, initiator codon variant.
Genome position (GRCh38, 1-based): chr20:50,958,844, T>C. VCF-style: chr20-50958844-T-C. GRCh37 (hg19) VCF-style: chr20-49575381-T-C.
Other names: short protein forms M1T.
Identifiers: ClinVar variation 1520498 (VCV001520498.6), dbSNP rs2123157698, ClinGen allele CA408981374.